The following is an entry in ClinVar:

NM_000088.4(COL1A1):c.3508C>A (p.Arg1170Ser)

Gene: COL1A1 (collagen type I alpha 1 chain; minus strand). Cytogenetic location: 17q21.33.
Variant type: single nucleotide variant.
Coding change: c.3508C>A on transcript NM_000088.4 (MANE Select); coding-DNA position 3508, C replaced by A.
Protein change: p.Arg1170Ser; replaces arginine 1170 with serine.
Molecular consequence: missense variant.
Genome position (GRCh38, 1-based): chr17:50,187,038, G>T on the plus strand (C>A on the coding strand, the complement: COL1A1 is on the minus strand). VCF-style: chr17-50187038-G-T. GRCh37 (hg19) VCF-style: chr17-48264399-G-T.
Other names: short protein forms R1170S.
Identifiers: ClinVar variation 3634719 (VCV003634719.2).
Genomic context (GRCh38, chr17:50,187,038, plus strand): 5'-GGAGGGCCATGAGCAGAGGGGATGAGGGGCTACATACAACAGGACCAGCATCACCAGTGC[G>T]ACCGCGAGGACCAGGGGGCCCAATGGGGCCAGGGAGACCGTTGAGTCCATCTTTGCCAGG-3'
Protein context (NP_000079.2, residues 1160-1180): GPIGPPGPRG[Arg1170Ser]TGDAGPVGPP

ClinVar aggregate classification (germline): Uncertain significance (1 of 4 stars; one submission).

Conditions:
Osteogenesis imperfecta type I (OI1). Also called: Lobstein's Disease; Lobstein disease; Classic Non-deforming Osteogenesis Imperfecta with Blue Sclerae; OI, TYPE I; OSTEOGENESIS IMPERFECTA TARDA; OSTEOGENESIS IMPERFECTA WITH BLUE SCLERAE. Identifiers: Orphanet 216796, Orphanet 666, MedGen C0023931, MONDO:0008146, OMIM 166200. Disease mechanism: loss of function.

gnomAD v4.1: 3 of 1,613,698 alleles (0.00019%); highest among the groups gnomAD compares: Non-Finnish European, 0.00017%; no homozygotes.

Submission:

Labcorp Genetics (formerly Invitae), Labcorp
Classification: Uncertain significance for Osteogenesis imperfecta type I. Last evaluated: 2024-08-23. Review status: criteria provided, single submitter. Criteria: Invitae Variant Classification Sherloc (09022015). Collection method: clinical testing. Allele origin: germline.
Comment: This sequence change replaces arginine, which is basic and polar, with serine, which is neutral and polar, at codon 1170 of the COL1A1 protein (p.Arg1170Ser). This variant is not present in population databases (gnomAD no frequency). This variant has not been reported in the literature in individuals affected with COL1A1-related conditions. Invitae Evidence Modeling of protein sequence and biophysical properties (such as structural, functional, and spatial information, amino acid conservation, physicochemical variation, residue mobility, and thermodynamic stability) indicates that this missense variant is not expected to disrupt COL1A1 protein function with a negative predictive value of 95%. In summary, the available evidence is currently insufficient to determine the role of this variant in disease. Therefore, it has been classified as a Variant of Uncertain Significance.